The following is an entry in ClinVar:

ClinVar aggregate classification (germline): Benign. Review status: criteria provided, multiple submitters, no conflicts (2 of 4 stars). 5 submissions from 4 submitters: Benign (5). Last evaluated 2023-09-04.

Conditions:
Ocular cystinosis. Also called: Non-Nephropathic Cystinosis; Non-Nephropathic (Ocular) Cystinosis. Identifiers: Orphanet 213, Orphanet 411641, MedGen C2931013, MONDO:0009064, OMIM 219750.
Nephropathic cystinosis (CTNS). Also called: CYSTINOSIN, DEFECT OF; LYSOSOMAL CYSTINE TRANSPORT PROTEIN, DEFECT OF; Abderhalden Lignac Kaufmann disease; Abderhalden-Kaufmann-Lignac syndrome. Identifiers: Orphanet 213, Orphanet 411629, MedGen C2931187, MONDO:0100151, OMIM 219800.

Allele frequency attached by ClinVar (database versions not stated): ESP Exome Variant Server 0.50289; gnomAD 0.51389 and 0.52272; ExAC 0.56183; gnomAD exomes 0.56771; TOPMed 0.52144; 1000 Genomes Project 30x 0.56496; 1000 Genomes Project 0.57169.
gnomAD v4.1: 864,127 of 1,610,322 alleles (54%); highest among the groups gnomAD compares: East Asian, 73%; 235,128 homozygotes.

Submissions (5):

Cellular and Molecular Research Center, Cellular and Molecular Medicine Research Institute,, Urmia University of Medical Sciences
Classification: Benign for Nephropathic cystinosis. Last evaluated: 2023-09-04. Review status: criteria provided, single submitter. Criteria: ACMG Guidelines, 2015. Collection method: clinical testing. Allele origin: germline. Inheritance: Autosomal recessive inheritance. Affected: yes.

Genome-Nilou Lab
Classification: Benign for Nephropathic cystinosis. Last evaluated: 2021-07-10. Review status: criteria provided, single submitter. Criteria: ACMG Guidelines, 2015. Collection method: clinical testing. Allele origin: germline. Affected: no.

Genome-Nilou Lab
Classification: Benign for Ocular cystinosis. Last evaluated: 2021-07-10. Review status: criteria provided, single submitter. Criteria: ACMG Guidelines, 2015. Collection method: clinical testing. Allele origin: germline. Affected: no.

GeneDx
Classification: Benign. Last evaluated: 2018-06-19. Review status: criteria provided, single submitter. Criteria: GeneDx Variant Classification (06012015). Collection method: clinical testing. Allele origin: germline. Affected: yes.
Comment: This variant is considered likely benign or benign based on one or more of the following criteria: it is a conservative change, it occurs at a poorly conserved position in the protein, it is predicted to be benign by multiple in silico algorithms, and/or has population frequency not consistent with disease.

Breakthrough Genomics
Classification: Benign. Review status: criteria provided, single submitter. Criteria: ACMG Guidelines, 2015. Collection method: not provided. Allele origin: germline. Inheritance: Autosomal recessive inheritance. Affected: yes.

NM_004937.3(CTNS):c.461+52G>A

Genes: CTNS (cystinosin, lysosomal cystine transporter; plus strand), CTNS-AS1 (CTNS antisense RNA 1; minus strand). Cytogenetic location: 17p13.2.
Variant type: single nucleotide variant.
Coding change: c.461+52G>A on transcript NM_004937.3 (MANE Select); 52 bases into the intron after coding-DNA position 461, G replaced by A.
Molecular consequence: intron variant.
Genome position (GRCh38, 1-based): chr17:3,655,404, G>A. VCF-style: chr17-3655404-G-A. GRCh37 (hg19) VCF-style: chr17-3558698-G-A.
Other names: c.461+52G>A (NM_001031681.3, NM_001374492.1); c.20+52G>A (NM_001374493.1, NM_001374495.1, NM_001374494.1 and 1 more transcripts).
Identifiers: ClinVar variation 683626 (VCV000683626.5), dbSNP rs467277, ClinGen allele CA8291738.